The following is an entry in ClinVar:

ClinVar aggregate classification (germline): Uncertain significance (1 of 4 stars; one submission).

Allele frequency attached by ClinVar (database versions not stated): gnomAD exomes 0.00002; ExAC 0.00006; ESP Exome Variant Server 0.00008; gnomAD 0.00018; TOPMed 0.00021; 1000 Genomes Project 30x 0.00031; 1000 Genomes Project 0.00040.
gnomAD v4.1: 58 of 1,589,940 alleles (0.0036%); highest among the groups gnomAD compares: African/African-American, 0.044%; no homozygotes.

Submission:

Labcorp Genetics (formerly Invitae), Labcorp
Classification: Uncertain significance. Last evaluated: 2025-10-19. Review status: criteria provided, single submitter. Criteria: Invitae Variant Classification Sherloc (09022015). Collection method: clinical testing. Allele origin: germline.
Comment: This sequence change creates a premature translational stop signal (p.Arg331*) in the CEP89 gene. It is expected to result in an absent or disrupted protein product. However, the current clinical and genetic evidence is not sufficient to establish whether loss-of-function variants in CEP89 cause disease. This variant is present in population databases (rs372810536, gnomAD 0.04%). This variant has not been reported in the literature in individuals affected with CEP89-related conditions. ClinVar contains an entry for this variant (Variation ID: 2155889). In summary, the available evidence is currently insufficient to determine the role of this variant in disease. Therefore, it has been classified as a Variant of Uncertain Significance.

NM_032816.5(CEP89):c.991C>T (p.Arg331Ter)

Gene: CEP89 (centrosomal protein 89; minus strand). Cytogenetic location: 19q13.11.
Variant type: single nucleotide variant.
Coding change: c.991C>T on transcript NM_032816.5 (MANE Select); coding-DNA position 991, C replaced by T.
Protein change: p.Arg331Ter; replaces arginine 331 with a stop codon.
Molecular consequence: nonsense.
Genome position (GRCh38, 1-based): chr19:32,931,467, G>A on the plus strand (C>T on the coding strand, the complement: CEP89 is on the minus strand). VCF-style: chr19-32931467-G-A. GRCh37 (hg19) VCF-style: chr19-33422373-G-A.
Other names: short protein forms R331*.
Identifiers: ClinVar variation 2155889 (VCV002155889.2), dbSNP rs372810536, ClinGen allele CA9359465.